The following is an entry in ClinVar:

NM_002691.4(POLD1):c.840+4C>T

Gene: POLD1 (DNA polymerase delta 1, catalytic subunit; plus strand). Cytogenetic location: 19q13.33.
Variant type: single nucleotide variant.
Coding change: c.840+4C>T on transcript NM_002691.4 (MANE Select); 4 bases into the intron after coding-DNA position 840, C replaced by T.
Molecular consequence: intron variant.
Genome position (GRCh38, 1-based): chr19:50,402,539, C>T. VCF-style: chr19-50402539-C-T. GRCh37 (hg19) VCF-style: chr19-50905796-C-T.
Other names: c.840+4C>T (NM_001256849.1, NM_001308632.1).
Identifiers: ClinVar variation 822388 (VCV000822388.47), dbSNP rs780257283, ClinGen allele CA633897347.

ClinVar aggregate classification (germline): Uncertain significance. Review status: criteria provided, multiple submitters, no conflicts (2 of 4 stars). 4 submissions from 4 submitters: Uncertain significance (4). Last evaluated 2025-11-03.

Conditions:
POLD1-related polyposis and colorectal cancer syndrome (CRCS10). Also called: Colorectal cancer, susceptibility to, 10; Colorectal cancer 10; COLORECTAL CANCER, SUSCEPTIBILITY TO, ON CHROMOSOME 19q. Identifiers: Orphanet 220460, MedGen C2675481, MONDO:0012953, OMIM 612591.
Hereditary cancer-predisposing syndrome. Also called: Tumor predisposition; Hereditary neoplastic syndrome; Neoplastic Syndromes, Hereditary; Hereditary Cancer Syndrome. Identifiers: Orphanet 140162, MedGen C0027672, MeSH D009386, MONDO:0015356.

gnomAD v4.1: 7 of 1,587,542 alleles (0.00044%); highest among the groups gnomAD compares: Non-Finnish European, 0.0006%; no homozygotes.

Submissions (4):

Labcorp Genetics (formerly Invitae), Labcorp
Classification: Uncertain significance for POLD1-related polyposis and colorectal cancer syndrome. Last evaluated: 2025-11-03. Review status: criteria provided, single submitter. Criteria: Invitae Variant Classification Sherloc (09022015). Collection method: clinical testing. Allele origin: germline.
Comment: This sequence change falls in intron 7 of the POLD1 gene. It does not directly change the encoded amino acid sequence of the POLD1 protein. It affects a nucleotide within the consensus splice site. The frequency data for this variant in the population databases is considered unreliable, as metrics indicate poor data quality at this position in the gnomAD database. This variant has not been reported in the literature in individuals affected with POLD1-related conditions. ClinVar contains an entry for this variant (Variation ID: 822388). Variants that disrupt the consensus splice site are a relatively common cause of aberrant splicing (PMID: 17576681, 9536098). Algorithms developed to predict the effect of sequence changes on RNA splicing suggest that this variant may disrupt the consensus splice site. In summary, the available evidence is currently insufficient to determine the role of this variant in disease. Therefore, it has been classified as a Variant of Uncertain Significance.

Ambry Genetics
Classification: Uncertain significance for Hereditary cancer-predisposing syndrome. Last evaluated: 2025-06-27. Review status: criteria provided, single submitter. Criteria: Ambry Variant Classification Scheme 2023. Collection method: clinical testing. Allele origin: germline.
Comment: The c.840+4C>T intronic variant results from a C to T substitution 4 nucleotides after coding exon 6 in the POLD1 gene. This nucleotide position is not well conserved in available vertebrate species. In silico splice site analysis predicts that this alteration will result in the creation or strengthening of a novel splice donor site. Based on the available evidence, the clinical significance of this variant remains unclear.

CeGaT Center for Human Genetics Tuebingen
Classification: Uncertain significance. Last evaluated: 2022-05-01. Review status: criteria provided, single submitter. Criteria: CeGaT Center For Human Genetics Tuebingen Variant Classification Criteria Version 2. Collection method: clinical testing. Allele origin: germline. Affected: yes. Observed: 1 variant allele.
Comment: POLD1: PM2, PP3

GeneDx
Classification: Uncertain significance. Last evaluated: 2020-03-05. Review status: criteria provided, single submitter. Criteria: GeneDx Variant Classification Process June 2021. Collection method: clinical testing. Allele origin: germline. Affected: yes.
Comment: Not observed at a significant frequency in large population cohorts (Lek 2016); Has not been previously published as pathogenic or benign to our knowledge; In-silico analysis, which includes splice predictors and evolutionary conservation, is inconclusive as to whether the variant alters gene splicing. In the absence of RNA/functional studies, the actual effect of this sequence change is unknown.

Literature cited by the submitters: PubMed 17576681 (cited by Labcorp Genetics (formerly Invitae), Labcorp); PubMed 9536098 (cited by Labcorp Genetics (formerly Invitae), Labcorp).